The following is an entry in ClinVar:

NM_007363.5(NONO):c.910C>T (p.Arg304Cys)

Gene: NONO (non-POU domain containing octamer binding; plus strand). Cytogenetic location: Xq13.1.
Variant type: single nucleotide variant.
Coding change: c.910C>T on transcript NM_007363.5 (MANE Select); coding-DNA position 910, C replaced by T.
Protein change: p.Arg304Cys; replaces arginine 304 with cysteine.
Molecular consequence: missense variant.
Genome position (GRCh38, 1-based): chrX:71,297,014, C>T. VCF-style: chrX-71297014-C-T. GRCh37 (hg19) VCF-style: chrX-70516864-C-T.
Other names: c.910C>T, p.Arg304Cys (NM_001145408.2, NM_001145409.2); c.643C>T, p.Arg215Cys (NM_001145410.2); short protein forms R304C, R215C.
Identifiers: ClinVar variation 1969342 (VCV001969342.5), dbSNP rs2519893600, ClinGen allele CA413545165.

ClinVar aggregate classification (germline): Uncertain significance (1 of 4 stars; one submission).

Allele frequency attached by ClinVar (database versions not stated): gnomAD exomes below 0.00001.

Submission:

Labcorp Genetics (formerly Invitae), Labcorp
Classification: Uncertain significance. Last evaluated: 2022-07-06. Review status: criteria provided, single submitter. Criteria: Invitae Variant Classification Sherloc (09022015). Collection method: clinical testing. Allele origin: germline.
Comment: This variant is not present in population databases (gnomAD no frequency). In summary, the available evidence is currently insufficient to determine the role of this variant in disease. Therefore, it has been classified as a Variant of Uncertain Significance. Algorithms developed to predict the effect of missense changes on protein structure and function (SIFT, PolyPhen-2, Align-GVGD) all suggest that this variant is likely to be tolerated. This variant has not been reported in the literature in individuals affected with NONO-related conditions. This sequence change replaces arginine, which is basic and polar, with cysteine, which is neutral and slightly polar, at codon 304 of the NONO protein (p.Arg304Cys).